The following is an entry in ClinVar:

NM_001903.5(CTNNA1):c.1144C>T (p.Leu382Phe)

Gene: CTNNA1 (catenin alpha 1; plus strand). Cytogenetic location: 5q31.2.
Variant type: single nucleotide variant.
Coding change: c.1144C>T on transcript NM_001903.5 (MANE Select); coding-DNA position 1144, C replaced by T.
Protein change: p.Leu382Phe; replaces leucine 382 with phenylalanine.
Molecular consequence: missense variant. On other transcripts: 5 prime UTR variant (5), intron variant (2).
Genome position (GRCh38, 1-based): chr5:138,887,490, C>T. VCF-style: chr5-138887490-C-T. GRCh37 (hg19) VCF-style: chr5-138223179-C-T.
Other names: c.1144C>T, p.Leu382Phe (NM_001290307.3, NM_001323982.2, NM_001323983.1 and 3 more transcripts); c.835C>T, p.Leu279Phe (NM_001290309.3); c.775C>T, p.Leu259Phe (NM_001290310.3); c.34C>T, p.Leu12Phe (NM_001290312.1, NM_001323987.1, NM_001323988.1 and 18 more transcripts); c.-364C>T (NM_001324006.1, NM_001324007.1, NM_001324008.1 and 1 more transcripts); c.-239C>T (NM_001324013.1); c.-58+11893C>T (NM_001324012.1); c.-61+11893C>T (NM_001324010.1); short protein forms L12F, L259F, L279F, L382F.
Identifiers: ClinVar variation 1367711 (VCV001367711.8), dbSNP rs2150031945, ClinGen allele CA361132869.

ClinVar aggregate classification (germline): Uncertain significance (1 of 4 stars; one submission).

Submission:

Labcorp Genetics (formerly Invitae), Labcorp
Classification: Uncertain significance. Last evaluated: 2021-07-15. Review status: criteria provided, single submitter. Criteria: Invitae Variant Classification Sherloc (09022015). Collection method: clinical testing. Allele origin: germline.
Comment: In summary, the available evidence is currently insufficient to determine the role of this variant in disease. Therefore, it has been classified as a Variant of Uncertain Significance. Algorithms developed to predict the effect of missense changes on protein structure and function are either unavailable or do not agree on the potential impact of this missense change (SIFT: "Deleterious"; PolyPhen-2: "Probably Damaging"; Align-GVGD: "Class C0"). This variant has not been reported in the literature in individuals affected with CTNNA1-related conditions. This variant is not present in population databases (ExAC no frequency). This sequence change replaces leucine with phenylalanine at codon 382 of the CTNNA1 protein (p.Leu382Phe). The leucine residue is highly conserved and there is a small physicochemical difference between leucine and phenylalanine.